The following is an entry in ClinVar:

ClinVar aggregate classification (germline): Uncertain significance. Review status: criteria provided, multiple submitters, no conflicts (2 of 4 stars). 3 submissions from 3 submitters: Uncertain significance (3). Last evaluated 2023-11-13.

Conditions:
Autosomal recessive limb-girdle muscular dystrophy type 2J (LGMDR10). Also called: Limb-girdle muscular dystrophy, type 2J; MUSCULAR DYSTROPHY, LIMB-GIRDLE, AUTOSOMAL RECESSIVE 10. Identifiers: Orphanet 140922, MedGen C1837342, MONDO:0012127, OMIM 608807.
Dilated cardiomyopathy 1G (CMD1G). Identifiers: Orphanet 154, MedGen C1858763, MONDO:0011400, OMIM 604145.

Submissions (3):

GeneDx
Classification: Uncertain significance. Last evaluated: 2023-11-13. Review status: criteria provided, single submitter. Criteria: GeneDx Variant Classification Process June 2021. Collection method: clinical testing. Allele origin: germline. Affected: yes.
Comment: Not observed at significant frequency in large population cohorts (gnomAD); Missense variant in a gene in which most reported pathogenic variants are truncating/loss of function; Has not been previously published as pathogenic or benign to our knowledge

ARUP Laboratories, Molecular Genetics and Genomics, ARUP Laboratories
Classification: Uncertain significance. Last evaluated: 2018-01-04. Review status: criteria provided, single submitter. Criteria: ARUP Molecular Germline Variant Investigation Process. Collection method: clinical testing. Allele origin: germline.
Comment: The TTN c.27754C>G; p.His9252Asp variant, to our knowledge, is not reported in the medical literature, gene specific variation databases, nor has it been previously identified by our laboratory. This variant is absent from the general population databases (1000 Genomes Project, Exome Variant Server, Genome Aggregation Database), indicating it is not a common polymorphism. The histidine at position 9252 is moderately conserved, considering 10 species, and computational analyses of the effects of the p.His9252Asp variant on protein structure and function make conflicting predictions (SIFT: tolerated, MutationTaster: disease causing, AlignGVGD: Class C0). Given the available evidence, the clinical significance of the p.His9252Asp variant cannot be determined with certainty.

Labcorp Genetics (formerly Invitae), Labcorp
Classification: Uncertain significance for Dilated cardiomyopathy 1G; Autosomal recessive limb-girdle muscular dystrophy type 2J. Last evaluated: 2017-10-30. Review status: criteria provided, single submitter. Criteria: Invitae Variant Classification Sherloc (09022015). Collection method: clinical testing. Allele origin: germline.

NM_001267550.2(TTN):c.31486C>G (p.His10496Asp)

Gene: TTN (titin; minus strand). Cytogenetic location: 2q31.2.
Variant type: single nucleotide variant.
Coding change: c.31486C>G on transcript NM_001267550.2 (MANE Select); coding-DNA position 31486, C replaced by G.
Protein change: p.His10496Asp; replaces histidine 10496 with aspartic acid.
Molecular consequence: missense variant. On other transcripts: intron variant (3).
Genome position (GRCh38, 1-based): chr2:178,693,949, G>C on the plus strand (C>G on the coding strand, the complement: TTN is on the minus strand). VCF-style: chr2-178693949-G-C. GRCh37 (hg19) VCF-style: chr2-179558676-G-C.
Other names: c.31486C>G (NM_001267550.1); c.30535C>G, p.His10179Asp (NM_001256850.1); c.27754C>G, p.His9252Asp (NM_133378.4); c.13282+44133C>G (NM_003319.4); c.13858+44133C>G (NM_133437.4); c.13657+44133C>G (NM_133432.3); short protein forms H10496D, H9252D, H10179D.
Identifiers: ClinVar variation 535516 (VCV000535516.11), dbSNP rs1553860465, ClinGen allele CA349561616.